The following is an entry in ClinVar:

ClinVar aggregate classification (germline): Conflicting classifications of pathogenicity. Review status: criteria provided, conflicting classifications (1 of 4 stars). 4 submissions from 4 submitters: Uncertain significance (2); Likely benign (2). Last evaluated 2026-01-25.

Conditions:
Cardiovascular phenotype. Identifiers: MedGen CN230736.
Duchenne muscular dystrophy (DMD). Also called: MUSCULAR DYSTROPHY, PSEUDOHYPERTROPHIC PROGRESSIVE, DUCHENNE TYPE; Duchenne Muscular Dystrophy (DMD). Identifiers: Orphanet 98896, MedGen C0013264, MONDO:0010679, OMIM 310200.

Allele frequency attached by ClinVar (database versions not stated): gnomAD 0.00002; TOPMed 0.00002; ExAC 0.00003; gnomAD exomes 0.00004 and 0.00005; ESP Exome Variant Server 0.00009.
gnomAD v4.1: 55 of 1,208,658 alleles (0.0046%); highest among the groups gnomAD compares: Non-Finnish European, 0.0057%; no homozygotes.

Submissions (4):

Labcorp Genetics (formerly Invitae), Labcorp
Classification: Likely benign for Duchenne muscular dystrophy. Last evaluated: 2026-01-25. Review status: criteria provided, single submitter. Criteria: Invitae Variant Classification Sherloc (09022015). Collection method: clinical testing. Allele origin: germline.

Mayo Clinic Laboratories, Mayo Clinic
Classification: Uncertain significance. Last evaluated: 2025-10-15. Review status: criteria provided, single submitter. Criteria: ACMG Guidelines, 2015. Collection method: clinical testing. Allele origin: germline. Observed: 1 variant allele.
Comment: BP4_moderate

Ambry Genetics
Classification: Likely benign for Cardiovascular phenotype. Last evaluated: 2024-07-25. Review status: criteria provided, single submitter. Criteria: Ambry Variant Classification Scheme 2023. Collection method: clinical testing. Allele origin: germline.

Revvity Omics, Revvity
Classification: Uncertain significance. Last evaluated: 2024-04-17. Review status: criteria provided, single submitter. Criteria: ACMG Guidelines, 2015. Collection method: clinical testing. Allele origin: germline.

NM_004006.3(DMD):c.4981A>G (p.Ile1661Val)

Gene: DMD (dystrophin; minus strand). Cytogenetic location: Xp21.1.
Variant type: single nucleotide variant.
Coding change: c.4981A>G on transcript NM_004006.3 (MANE Select); coding-DNA position 4981, A replaced by G.
Protein change: p.Ile1661Val; replaces isoleucine 1661 with valine.
Molecular consequence: missense variant.
Genome position (GRCh38, 1-based): chrX:32,365,064, T>C on the plus strand (A>G on the coding strand, the complement: DMD is on the minus strand). VCF-style: chrX-32365064-T-C. GRCh37 (hg19) VCF-style: chrX-32383181-T-C.
Other names: p.Ile1661Val; c.4957A>G, p.Ile1653Val (NM_000109.4); c.4969A>G, p.Ile1657Val (NM_004009.3); c.4612A>G, p.Ile1538Val (NM_004010.3); c.958A>G, p.Ile320Val (NM_004011.4); c.949A>G, p.Ile317Val (NM_004012.4); short protein forms I1653V, I1538V, I317V, I1661V, I320V, I1657V.
Identifiers: ClinVar variation 696044 (VCV000696044.16), dbSNP rs373475585, ClinGen allele CA10378813.